The following is an entry in ClinVar:

ClinVar aggregate classification (germline): Uncertain significance (1 of 4 stars; one submission).

Submission:

Women's Health and Genetics/Laboratory Corporation of America, LabCorp
Classification: Uncertain significance. Last evaluated: 2026-06-10. Review status: criteria provided, single submitter. Criteria: LabCorp Variant Classification Summary - May 2015. Collection method: clinical testing. Allele origin: germline.
Comment: Variant summary: The variant involves the duplication of exons 1-2 in the CNTN4 gene. A presumed nomenclature of c.(?_-340)_(-145+1_-144-1)dup has been designated for the purposes of this classification. The exact breakpoint at the 5' end of this variant is unknown, therefore this duplication may extend upstream of the annotated region of this gene. It is predicted to duplicate a segment of the 5' UTR of the gene, therefore its impact on the encoded protein is unknown. The variant was absent in 21694 control chromosomes. c.(?_-340)_(-145+1_-144-1)dup has been observed in at least one individual affected with speech apraxia, cognitive delay and neurobehavioural abnormalities. These report(s) do not provide unequivocal conclusions about association of the variant with disease. To our knowledge, no experimental evidence demonstrating an impact on protein function has been reported. ClinVar contains an entry for this variant (Variation ID: 1340031). Based on the evidence outlined above, the variant was classified as uncertain significance.

Literature cited by the submitters: PubMed 31422286.

NC_000003.11:g.(?_2140549)_(2142324_2380861)dup

Gene: CNTN4 (contactin 4; plus strand). Cytogenetic location: 3p26.3.
Variant type: Duplication.
Identifiers: ClinVar variation 4887368 (VCV004887368.1).